The following is an entry in ClinVar:

ClinVar aggregate classification (germline): Conflicting classifications of pathogenicity. Review status: criteria provided, conflicting classifications (1 of 4 stars). 2 submissions from 2 submitters: Uncertain significance (1); Likely benign (1). Last evaluated 2025-08-29.

Conditions:
Gingival disorder. Also called: Gingival disease. Identifiers: MedGen C0017563, MONDO:0002021.

Allele frequency attached by ClinVar (database versions not stated): gnomAD exomes 0.00003; TOPMed 0.00003; ExAC 0.00004; gnomAD 0.00004; 1000 Genomes Project 30x 0.00016; 1000 Genomes Project 0.00020.
gnomAD v4.1: 44 of 1,614,122 alleles (0.0027%); highest among the groups gnomAD compares: South Asian, 0.015%; 1 homozygote.

Submissions (2):

Ambry Genetics
Classification: Likely benign. Last evaluated: 2025-08-29. Review status: criteria provided, single submitter. Criteria: Ambry Variant Classification Scheme 2023. Collection method: clinical testing. Allele origin: germline.

Labcorp Genetics (formerly Invitae), Labcorp
Classification: Uncertain significance for Gingival disorder. Last evaluated: 2022-02-07. Review status: criteria provided, single submitter. Criteria: Invitae Variant Classification Sherloc (09022015). Collection method: clinical testing. Allele origin: germline.
Comment: This sequence change replaces valine, which is neutral and non-polar, with isoleucine, which is neutral and non-polar, at codon 195 of the FPR1 protein (p.Val195Ile). This variant is present in population databases (rs201880162, gnomAD 0.02%). This variant has not been reported in the literature in individuals affected with FPR1-related conditions. Algorithms developed to predict the effect of missense changes on protein structure and function output the following: SIFT: "Tolerated"; PolyPhen-2: "Benign"; Align-GVGD: "Class C0". The isoleucine amino acid residue is found in multiple mammalian species, which suggests that this missense change does not adversely affect protein function. In summary, the available evidence is currently insufficient to determine the role of this variant in disease. Therefore, it has been classified as a Variant of Uncertain Significance.

NM_002029.4(FPR1):c.583G>A (p.Val195Ile)

Gene: FPR1 (formyl peptide receptor 1; minus strand). Cytogenetic location: 19q13.41.
Variant type: single nucleotide variant.
Coding change: c.583G>A on transcript NM_002029.4 (MANE Select); coding-DNA position 583, G replaced by A.
Protein change: p.Val195Ile; replaces valine 195 with isoleucine.
Molecular consequence: missense variant.
Genome position (GRCh38, 1-based): chr19:51,746,412, C>T on the plus strand (G>A on the coding strand, the complement: FPR1 is on the minus strand). VCF-style: chr19-51746412-C-T. GRCh37 (hg19) VCF-style: chr19-52249665-C-T.
Other names: c.583G>A, p.Val195Ile (NM_001193306.2); short protein forms V195I.
Identifiers: ClinVar variation 2084740 (VCV002084740.5), dbSNP rs201880162, ClinGen allele CA9616425.